The following is an entry in ClinVar:

ClinVar aggregate classification (germline): Uncertain significance (1 of 4 stars; one submission).

gnomAD v4.1: 5 of 1,613,780 alleles (0.00031%); highest among the groups gnomAD compares: African/African-American, 0.0013%; no homozygotes.

Submission:

Labcorp Genetics (formerly Invitae), Labcorp
Classification: Uncertain significance. Last evaluated: 2025-04-04. Review status: criteria provided, single submitter. Criteria: Invitae Variant Classification Sherloc (09022015). Collection method: clinical testing. Allele origin: germline.
Comment: This sequence change replaces histidine, which is basic and polar, with tyrosine, which is neutral and polar, at codon 2382 of the FN1 protein (p.His2382Tyr). This variant is not present in population databases (gnomAD no frequency). This variant has not been reported in the literature in individuals affected with FN1-related conditions. An algorithm developed to predict the effect of missense changes on protein structure and function (PolyPhen-2) suggests that this variant is likely to be disruptive. In summary, the available evidence is currently insufficient to determine the role of this variant in disease. Therefore, it has been classified as a Variant of Uncertain Significance.

NM_212482.4(FN1):c.7144C>T (p.His2382Tyr)

Genes: ATIC (5-aminoimidazole-4-carboxamide ribonucleotide formyltransferase/IMP cyclohydrolase; plus strand), FN1 (fibronectin 1; minus strand). Cytogenetic location: 2q35.
Variant type: single nucleotide variant.
Coding change: c.7144C>T on transcript NM_212482.4 (MANE Select); coding-DNA position 7144, C replaced by T.
Protein change: p.His2382Tyr; replaces histidine 2382 with tyrosine.
Molecular consequence: missense variant.
Genome position (GRCh38, 1-based): chr2:215,365,505, G>A on the plus strand (C>T on the coding strand, the complement: FN1 is on the minus strand). VCF-style: chr2-215365505-G-A. GRCh37 (hg19) VCF-style: chr2-216230228-G-A.
Other names: c.7051C>T, p.His2351Tyr (NM_001306129.2); c.6514C>T, p.His2172Tyr (NM_001306130.2); c.6508C>T, p.His2170Tyr (NM_001306131.2); c.6433C>T, p.His2145Tyr (NM_001306132.2); c.6874C>T, p.His2292Tyr (NM_001365517.2); c.6871C>T, p.His2291Tyr (NM_001365518.2); c.6799C>T, p.His2267Tyr (NM_001365519.2); c.6796C>T, p.His2266Tyr (NM_001365520.2); and 8 more; short protein forms H2081Y, H2172Y, H2176Y, H2236Y, H2261Y, H2292Y, H2145Y, H2170Y.
Identifiers: ClinVar variation 4690819 (VCV004690819.1).